The following is an entry in ClinVar:

ClinVar aggregate classification (germline): Pathogenic/Likely pathogenic. Review status: criteria provided, multiple submitters, no conflicts (2 of 4 stars). 3 submissions from 3 submitters: Pathogenic (1); Likely pathogenic (2). Last evaluated 2025-12-01.

Conditions:
Dilated cardiomyopathy 1G (CMD1G). Identifiers: Orphanet 154, MedGen C1858763, MONDO:0011400, OMIM 604145.
Autosomal recessive limb-girdle muscular dystrophy type 2J (LGMDR10). Also called: Limb-girdle muscular dystrophy, type 2J; MUSCULAR DYSTROPHY, LIMB-GIRDLE, AUTOSOMAL RECESSIVE 10. Identifiers: Orphanet 140922, MedGen C1837342, MONDO:0012127, OMIM 608807.
Cardiovascular phenotype. Identifiers: MedGen CN230736.

Submissions (3):

Labcorp Genetics (formerly Invitae), Labcorp
Classification: Likely pathogenic for Dilated cardiomyopathy 1G; Autosomal recessive limb-girdle muscular dystrophy type 2J. Last evaluated: 2025-12-01. Review status: criteria provided, single submitter. Criteria: Invitae Variant Classification Sherloc (09022015). Collection method: clinical testing. Allele origin: germline.
Comment: This sequence change creates a premature translational stop signal (p.Glu25978Valfs*40) in the TTN gene. While this is not anticipated to result in nonsense mediated decay, it is expected to create a truncated TTN protein. This variant is not present in population databases (gnomAD no frequency). This variant has not been reported in the literature in individuals affected with TTN-related conditions. ClinVar contains an entry for this variant (Variation ID: 432954). This variant is located in the A band of TTN (PMID: 25589632). Truncating variants in this region are significantly overrepresented in patients affected with dilated cardiomyopathy (PMID: 25589632). Truncating variants in this region have also been reported in individuals affected with autosomal recessive centronuclear myopathy (PMID: 23975875). In summary, the currently available evidence indicates that the variant is pathogenic, but additional data are needed to prove that conclusively. Therefore, this variant has been classified as Likely Pathogenic.

Ambry Genetics
Classification: Pathogenic for Cardiovascular phenotype. Last evaluated: 2024-08-26. Review status: criteria provided, single submitter. Criteria: Ambry Variant Classification Scheme 2023. Collection method: clinical testing. Allele origin: germline.
Comment: The c.50738_50756del19 pathogenic mutation, located in coding exon 153 of the TTN gene, results from a deletion of 19 nucleotides at nucleotide positions 50738 to 50756, causing a translational frameshift with a predicted alternate stop codon (p.E16913Vfs*40). This exon is located in the A-band region of the N2-B isoform of the titin protein and is constitutively expressed in TTN transcripts (percent spliced in or PSI 100%). This variant has been observed in at least one individual with a personal and/or family history that is consistent with dilated cardiomyopathy (Ambry internal data). This variant is considered to be rare based on population cohorts in the Genome Aggregation Database (gnomAD). This alteration is expected to result in loss of function by premature protein truncation or nonsense-mediated mRNA decay. While truncating variants in TTN are present in 1-3% of the general population, truncating variants in the A-band are the most common cause of dilated cardiomyopathy (DCM) (Herman DS et al. N. Engl. J. Med., 2012 Feb;366:619-28; Roberts AM et al. Sci Transl Med, 2015 Jan;7:270ra6). TTN truncating variants encoded in constitutive exons (PSI >90%) have been found to be significantly associated with DCM regardless of their position in titin (Schafer S et al. Nat. Genet., 2017 01;49:46-53). Based on the supporting evidence, this variant is interpreted as a disease-causing mutation.

GeneDx
Classification: Likely pathogenic. Last evaluated: 2017-06-27. Review status: criteria provided, single submitter. Criteria: GeneDx Variant Classification (06012015). Collection method: clinical testing. Allele origin: germline. Affected: yes.
Comment: The c.73010_73028del19 likely pathogenic variant in the TTN gene has not been reported previously as a pathogenic variant or as a benign variant, to our knowledge. This variant causes a shift in reading frame starting at codon glutamic acid 24337, changing it to a valine, and creating a premature stop codon at position 40 of the new reading frame, denoted p.Glu24337ValfsX40. This likely pathogenic variant is expected to result in either an abnormal, truncated protein product or loss of protein from this allele through nonsense-mediated mRNA decay. Other truncating TTN variants have been reported in approximately 3% of control alleles (Herman et al., 2012). However, c.73010_73028del19 is located in the A-band region of titin, where the majority of truncating pathogenic variants associated with DCM have been reported (Herman et al., 2012). Finally, the c.73010_73028del19 variant is not observed in large population cohorts (Lek et al., 2016; 1000 Genomes Consortium et al., 2015; Exome Variant Server).

Literature cited by the submitters: PubMed 25589632 (cited by Labcorp Genetics (formerly Invitae), Labcorp); PubMed 23975875 (cited by Labcorp Genetics (formerly Invitae), Labcorp).

NM_001267550.2(TTN):c.77933_77951del (p.Glu25978fs)

Genes: TTN-AS1 (TTN antisense RNA 1; plus strand), TTN (titin; minus strand). Cytogenetic location: 2q31.2.
Variant type: Deletion.
Coding change: c.77933_77951del on transcript NM_001267550.2 (MANE Select); coding-DNA positions 77933 to 77951, 19 bases deleted (AGTCTGATCCAATTGTAGC).
Protein change: p.Glu25978fs; shifts the reading frame from glutamic acid 25978.
Molecular consequence: frameshift variant.
Genome position (GRCh38, 1-based): chr2:178,568,181-178,568,199, GCTACAATTGGATCAGACT deleted on the plus strand (AGTCTGATCCAATTGTAGC on the coding strand, the reverse complement: TTN is on the minus strand). VCF-style (leftmost placement, unchanged base first): chr2-178568180-AGCTACAATTGGATCAGACT-A. GRCh37 (hg19) VCF-style: chr2-179432907-AGCTACAATTGGATCAGACT-A.
Other names: c.73010_73028del, p.Glu24337fs (NM_001256850.1); c.50738_50756del, p.Glu16913fs (NM_003319.4); c.70229_70247del, p.Glu23410fs (NM_133378.4); c.51113_51131del, p.Glu17038fs (NM_133432.3); c.51314_51332del, p.Glu17105fs (NM_133437.4); c.73010_73028delAGTCTGATCCAATTGTAGC (NM_001256850.1); c.73010_73028del19 (NM_001256850.1); c.50738_50756del19 (NM_003319.4); short protein forms E23410fs, E25978fs, E16913fs, E17038fs, E17105fs, E24337fs.
Identifiers: ClinVar variation 432954 (VCV000432954.14), dbSNP rs1553597801, ClinGen allele CA645372700.